The following is an entry in ClinVar:

NM_001042475.3(CEP85L):c.1994T>C (p.Val665Ala)

Gene: CEP85L (centrosomal protein 85 like; minus strand). Cytogenetic location: 6q22.31.
Variant type: single nucleotide variant.
Coding change: c.1994T>C on transcript NM_001042475.3 (MANE Select); coding-DNA position 1994, T replaced by C.
Protein change: p.Val665Ala; replaces valine 665 with alanine.
Molecular consequence: missense variant.
Genome position (GRCh38, 1-based): chr6:118,470,565, A>G on the plus strand (T>C on the coding strand, the complement: CEP85L is on the minus strand). VCF-style: chr6-118470565-A-G. GRCh37 (hg19) VCF-style: chr6-118791728-A-G.
Other names: c.2003T>C, p.Val668Ala (NM_001178035.2); short protein forms V665A, V668A.
Identifiers: ClinVar variation 2664222 (VCV002664222.1), dbSNP rs2533753671, ClinGen allele CA365542080.

ClinVar aggregate classification (germline): Uncertain significance (1 of 4 stars; one submission).

Conditions:
Lissencephaly 10. Identifiers: MedGen C5394354, MONDO:0030031, OMIM 618873.

Allele frequency attached by ClinVar (database versions not stated): gnomAD exomes below 0.00001.
gnomAD v4.1: 2 of 1,604,416 alleles (0.00012%); highest among the groups gnomAD compares: Non-Finnish European, 0.00017%; no homozygotes.

Submission:

Neuberg Centre For Genomic Medicine, NCGM
Classification: Uncertain significance for Lissencephaly 10. Review status: criteria provided, single submitter. Criteria: ACMG Guidelines, 2015. Collection method: clinical testing. Allele origin: germline. Inheritance: Autosomal dominant inheritance. Affected: yes.
Comment: The missense c.1994T>C(p.Val665Ala) variant in CEP85L gene has not been reported previously as a pathogenic variant nor as a benign variant, to our knowledge. The p.Val665Ala variant is novel (not in any individuals) in gnomAD Exomes and 1000 Genomes database. This variant has not been reported to the ClinVar database. The amino acid change p.Val665Ala in CEP85L is predicted as conserved by GERP++ and PhyloP across 100 vertebrates. The amino acid Val at position 665 is changed to a Ala changing protein sequence and it might alter its composition and physico-chemical properties. For these reasons, this variant has been classified as Variant of Uncertain Significance (VUS).